The following is an entry in ClinVar:

ClinVar aggregate classification (germline): Pathogenic (1 of 4 stars; one submission).

Conditions:
Primary ciliary dyskinesia. Also called: Ciliary dyskinesia. Identifiers: Orphanet 244, MedGen C0008780, MONDO:0016575, HP:0012265.

gnomAD v4.1: 2,023 of 1,550,530 alleles (0.13%); highest among the groups gnomAD compares: South Asian, 1.2%; 26 homozygotes.

Submission:

Department of Human Genetics, Hannover Medical School
Classification: Pathogenic for Primary Ciliary Dyskinesia. Last evaluated: 2026-04-01. Review status: criteria provided, single submitter. Criteria: ACMG Guidelines, 2015. Collection method: research. Allele origin: germline. Affected: no.
Comment: Classification performed by HerediClassify using the following criteria:['PVS1_protein_very_strong: Transcript ENST00000682510 is predicted to undergo NMD.', "PP4_moderate: The modified PICADAR socre of 3.0 exceeds threshold of 3 achieving 'moderate' evidence strength."]

NM_001367479.1(DNAH14):c.6574C>T (p.Gln2192Ter)

Gene: DNAH14 (dynein axonemal heavy chain 14; plus strand). Cytogenetic location: 1q42.12.
Variant type: single nucleotide variant.
Coding change: c.6574C>T on transcript NM_001367479.1 (MANE Select); coding-DNA position 6574, C replaced by T.
Protein change: p.Gln2192Ter; replaces glutamine 2192 with a stop codon.
Molecular consequence: nonsense.
Genome position (GRCh38, 1-based): chr1:225,240,648, C>T. VCF-style: chr1-225240648-C-T. GRCh37 (hg19) VCF-style: chr1-225428350-C-T.
Other names: short protein forms Q2192*.
Identifiers: ClinVar variation 4880149 (VCV004880149.1).